The following is an entry in ClinVar:

NM_000937.5(POLR2A):c.3813+8G>A

Gene: POLR2A (RNA polymerase II subunit A; plus strand). Cytogenetic location: 17p13.1.
Variant type: single nucleotide variant.
Coding change: c.3813+8G>A on transcript NM_000937.5 (MANE Select); 8 bases into the intron after coding-DNA position 3813, G replaced by A.
Molecular consequence: intron variant.
Genome position (GRCh38, 1-based): chr17:7,509,640, G>A. VCF-style: chr17-7509640-G-A. GRCh37 (hg19) VCF-style: chr17-7412959-G-A.
Identifiers: ClinVar variation 3038241 (VCV003038241.2), dbSNP rs55822009, ClinGen allele CA8350083.

ClinVar aggregate classification (germline): Benign (0 of 4 stars; one submission).

Conditions:
POLR2A-related disorder. Also called: POLR2A-related condition.

Allele frequency attached by ClinVar (database versions not stated): gnomAD exomes 0.00109; ExAC 0.00308; 1000 Genomes Project 0.00958; 1000 Genomes Project 30x 0.00999; gnomAD 0.01053; TOPMed 0.01155; ESP Exome Variant Server 0.01176.

Submission:

PreventionGenetics, part of Exact Sciences
Classification: Benign for POLR2A-related condition. Last evaluated: 2019-11-14. Review status: no assertion criteria provided. Collection method: clinical testing. Allele origin: germline.
Comment: This variant is classified as benign based on ACMG/AMP sequence variant interpretation guidelines (Richards et al. 2015 PMID: 25741868, with internal and published modifications).